The following is an entry in ClinVar:

ClinVar aggregate classification (germline): Uncertain significance. Review status: criteria provided, multiple submitters, no conflicts (2 of 4 stars). 2 submissions from 2 submitters: Uncertain significance (2). Last evaluated 2024-02-28.

Conditions:
Malignant hyperthermia, susceptibility to, 1 (MHS1). Also called: Malignant hyperthermia suceptibility 1; Anesthesia related hyperthermia; Malignant hyperpyrexia; Fulminating hyperpyrexia; Pharmacogenic myopathy; RYR1-Related Malignant Hyperthermia Susceptibility. Identifiers: Orphanet 423, MedGen C2930980, MONDO:0007783, OMIM 145600.
RYR1-related disorder. Also called: RYR1-related disorders; RYR1-related condition. Identifiers: MedGen CN239331.

gnomAD v4.1: 7 of 1,613,892 alleles (0.00043%); highest among the groups gnomAD compares: East Asian, 0.0045%; no homozygotes.

Submissions (2):

Color Diagnostics, LLC DBA Color Health
Classification: Uncertain significance for Malignant hyperthermia, susceptibility to, 1. Last evaluated: 2024-02-28. Review status: criteria provided, single submitter. Criteria: ACMG Guidelines, 2015. Collection method: clinical testing. Allele origin: germline.
Comment: This missense variant replaces glutamic acid with glutamine at codon 669 of the RYR1 protein. Computational prediction suggests that this variant may not impact protein structure and function. To our knowledge, functional studies have not been reported for this variant. This variant has not been reported in individuals affected with RYR1-related disorders in the literature. This variant has been identified in 1/251170 chromosomes in the general population by the Genome Aggregation Database (gnomAD). The available evidence is insufficient to determine the role of this variant in disease conclusively. Therefore, this variant is classified as a Variant of Uncertain Significance.

Labcorp Genetics (formerly Invitae), Labcorp
Classification: Uncertain significance for RYR1-related disorder. Last evaluated: 2023-08-08. Review status: criteria provided, single submitter. Criteria: Invitae Variant Classification Sherloc (09022015). Collection method: clinical testing. Allele origin: germline.
Comment: In summary, the available evidence is currently insufficient to determine the role of this variant in disease. Therefore, it has been classified as a Variant of Uncertain Significance. Algorithms developed to predict the effect of sequence changes on RNA splicing suggest that this variant may create or strengthen a splice site. Advanced modeling of protein sequence and biophysical properties (such as structural, functional, and spatial information, amino acid conservation, physicochemical variation, residue mobility, and thermodynamic stability) performed at Invitae indicates that this missense variant is not expected to disrupt RYR1 protein function. This variant has not been reported in the literature in individuals affected with RYR1-related conditions. This variant is present in population databases (no rsID available, gnomAD 0.0009%). This sequence change replaces glutamic acid, which is acidic and polar, with glutamine, which is neutral and polar, at codon 669 of the RYR1 protein (p.Glu669Gln).

NM_000540.3(RYR1):c.2005G>C (p.Glu669Gln)

Gene: RYR1 (ryanodine receptor 1; plus strand). Cytogenetic location: 19q13.2.
Variant type: single nucleotide variant.
Coding change: c.2005G>C on transcript NM_000540.3 (MANE Select); coding-DNA position 2005, G replaced by C.
Protein change: p.Glu669Gln; replaces glutamic acid 669 with glutamine.
Molecular consequence: missense variant.
Genome position (GRCh38, 1-based): chr19:38,458,130, G>C. VCF-style: chr19-38458130-G-C. GRCh37 (hg19) VCF-style: chr19-38948770-G-C.
Other names: c.2005G>C, p.Glu669Gln (NM_001042723.2); short protein forms E669Q.
Identifiers: ClinVar variation 2917657 (VCV002917657.3), dbSNP rs768718943, ClinGen allele CA405696074.